The following is an entry in ClinVar:

NM_005996.4(TBX3):c.86C>T (p.Ala29Val)

Genes: TBX3 (T-box transcription factor 3; minus strand), TBX3-AS1 (TBX3 antisense RNA 1; plus strand). Cytogenetic location: 12q24.21.
Variant type: single nucleotide variant.
Coding change: c.86C>T on transcript NM_005996.4 (MANE Select); coding-DNA position 86, C replaced by T.
Protein change: p.Ala29Val; replaces alanine 29 with valine.
Molecular consequence: missense variant.
Genome position (GRCh38, 1-based): chr12:114,683,115, G>A on the plus strand (C>T on the coding strand, the complement: TBX3 is on the minus strand). VCF-style: chr12-114683115-G-A. GRCh37 (hg19) VCF-style: chr12-115120920-G-A.
Other names: c.86C>T, p.Ala29Val (NM_016569.4); short protein forms A29V.
Identifiers: ClinVar variation 3347474 (VCV003347474.1).
Genomic context (GRCh38, chr12:114,683,115, plus strand): 5'-TTGGGAGGCAGCGTCAGCGCGGGGAAGAACGGCGGCTGGTGACCCAGCACCGCGCTCATG[G>A]CGAAGTCCGGCGCCCGGTGAGGTAGGAACGGATGGTAGGCCATGCTTGTCCCAGGAATGA-3'
Protein context (NP_005987.3, residues 19-39): PFLPHRAPDF[Ala29Val]MSAVLGHQPP

ClinVar aggregate classification (germline): Uncertain significance (0 of 4 stars; one submission).

Conditions:
TBX3-related disorder. Also called: TBX3-related condition.

Submission:

PreventionGenetics, part of Exact Sciences
Classification: Uncertain significance for TBX3-related condition. Last evaluated: 2024-05-28. Review status: no assertion criteria provided. Collection method: clinical testing. Allele origin: germline.
Comment: The TBX3 c.86C>T variant is predicted to result in the amino acid substitution p.Ala29Val. To our knowledge, this variant has not been reported in the literature or in a large population database, indicating this variant is rare. At this time, the clinical significance of this variant is uncertain due to the absence of conclusive functional and genetic evidence.